The following is an entry in ClinVar:

NM_024928.5(STN1):c.1096A>G (p.Thr366Ala)

Gene: STN1 (STN1 subunit of CST complex; minus strand). Cytogenetic location: 10q24.33.
Variant type: single nucleotide variant.
Coding change: c.1096A>G on transcript NM_024928.5 (MANE Select); coding-DNA position 1096, A replaced by G.
Protein change: p.Thr366Ala; replaces threonine 366 with alanine.
Molecular consequence: missense variant.
Genome position (GRCh38, 1-based): chr10:103,882,695, T>C on the plus strand (A>G on the coding strand, the complement: STN1 is on the minus strand). VCF-style: chr10-103882695-T-C. GRCh37 (hg19) VCF-style: chr10-105642453-T-C.
Other names: short protein forms T366A.
Identifiers: ClinVar variation 1486039 (VCV001486039.3), dbSNP rs753286739, ClinGen allele CA5676408.
Genomic context (GRCh38, chr10:103,882,695, plus strand): 5'-TGAATGCCACCTTATCTTTGTCCTCCTCAGCTGGTCTGCGTGTCTCTGCTCAGAACGCTG[T>C]GTAGTAGTGCTCCATTGTGCTGACAATGTCACTCTGGTCCTCCAGGAGCTCCAGAACTTG-3'
Protein context (NP_079204.2, residues 356-368): DIVSTMEHYY[Thr366Ala]AF

ClinVar aggregate classification (germline): Uncertain significance (1 of 4 stars; one submission).

Allele frequency attached by ClinVar (database versions not stated): TOPMed below 0.00001; gnomAD exomes 0.00002 and 0.00005; gnomAD 0.00005 and 0.00006; ExAC 0.00008.
gnomAD v4.1: 36 of 1,613,096 alleles (0.0022%); highest among the groups gnomAD compares: Non-Finnish European, 0.0025%; no homozygotes.

Submission:

Labcorp Genetics (formerly Invitae), Labcorp
Classification: Uncertain significance. Last evaluated: 2022-02-23. Review status: criteria provided, single submitter. Criteria: Invitae Variant Classification Sherloc (09022015). Collection method: clinical testing. Allele origin: germline.
Comment: This sequence change replaces threonine, which is neutral and polar, with alanine, which is neutral and non-polar, at codon 366 of the STN1 protein (p.Thr366Ala). This variant is present in population databases (rs753286739, gnomAD 0.01%). This variant has not been reported in the literature in individuals affected with STN1-related conditions. Algorithms developed to predict the effect of missense changes on protein structure and function (SIFT, PolyPhen-2, Align-GVGD) all suggest that this variant is likely to be tolerated. In summary, the available evidence is currently insufficient to determine the role of this variant in disease. Therefore, it has been classified as a Variant of Uncertain Significance.